The following is an entry in ClinVar:

NM_005228.5(EGFR):c.3303C>G (p.Pro1101=)

Gene: EGFR (epidermal growth factor receptor; plus strand). Cytogenetic location: 7p11.2.
Variant type: single nucleotide variant.
Coding change: c.3303C>G on transcript NM_005228.5 (MANE Select); coding-DNA position 3303, C replaced by G.
Protein change: p.Pro1101=; no amino-acid change (proline 1101 retained).
Molecular consequence: synonymous variant.
Genome position (GRCh38, 1-based): chr7:55,205,287, C>G. VCF-style: chr7-55205287-C-G. GRCh37 (hg19) VCF-style: chr7-55272980-C-G.
Other names: c.3168C>G, p.Pro1056= (NM_001346899.2); c.3144C>G, p.Pro1048= (NM_001346900.2); c.2502C>G, p.Pro834= (NM_001346941.2).
Identifiers: ClinVar variation 740216 (VCV000740216.26), dbSNP rs55796214, ClinGen allele CA4266375.

ClinVar aggregate classification (germline): Likely benign. Review status: criteria provided, multiple submitters, no conflicts (2 of 4 stars). 4 submissions from 4 submitters: Likely benign (4). Last evaluated 2026-01-31.

Conditions:
Hereditary cancer-predisposing syndrome. Also called: Hereditary Cancer Syndrome; Neoplastic Syndromes, Hereditary; Hereditary neoplastic syndrome; Tumor predisposition. Identifiers: Orphanet 140162, MedGen C0027672, MeSH D009386, MONDO:0015356.
EGFR-related lung cancer (EGFR). Identifiers: MedGen CN130014.

Allele frequency attached by ClinVar (database versions not stated): gnomAD 0.00003; TOPMed 0.00009; ESP Exome Variant Server 0.00023.
gnomAD v4.1: 182 of 1,612,788 alleles (0.011%); highest among the groups gnomAD compares: Non-Finnish European, 0.015%; no homozygotes.

Submissions (4):

Labcorp Genetics (formerly Invitae), Labcorp
Classification: Likely benign for EGFR-related lung cancer. Last evaluated: 2026-01-31. Review status: criteria provided, single submitter. Criteria: Invitae Variant Classification Sherloc (09022015). Collection method: clinical testing. Allele origin: germline.

Ambry Genetics
Classification: Likely benign for Hereditary cancer-predisposing syndrome. Last evaluated: 2024-11-24. Review status: criteria provided, single submitter. Criteria: Ambry Variant Classification Scheme 2023. Collection method: clinical testing. Allele origin: germline.

ARUP Laboratories, Molecular Genetics and Genomics, ARUP Laboratories
Classification: Likely benign. Last evaluated: 2024-11-12. Review status: criteria provided, single submitter. Criteria: ARUP Molecular Germline Variant Investigation Process 2024. Collection method: clinical testing. Allele origin: germline.

CeGaT Center for Human Genetics Tuebingen
Classification: Likely benign. Last evaluated: 2024-09-01. Review status: criteria provided, single submitter. Criteria: CeGaT Center For Human Genetics Tuebingen Variant Classification Criteria Version 2. Collection method: clinical testing. Allele origin: germline. Affected: yes. Observed: 1 variant allele.
Comment: EGFR: BP4, BP7